The following is an entry in ClinVar:

ClinVar aggregate classification (germline): Uncertain significance (1 of 4 stars; one submission).

Submission:

GeneDx
Classification: Uncertain significance. Last evaluated: 2024-12-20. Review status: criteria provided, single submitter. Criteria: GeneDx Variant Classification Process June 2021. Collection method: clinical testing. Allele origin: germline. Affected: yes.
Comment: Not observed at significant frequency in large population cohorts (gnomAD); Has not been previously published as pathogenic or benign to our knowledge; Frameshift variant predicted to result in abnormal protein length as the last 122 amino acids are replaced with 34 different amino acids with an unclear effect on protein function

NM_016120.4(RLIM):c.1507del (p.Ser503fs)

Gene: RLIM (ring finger protein, LIM domain interacting; minus strand). Cytogenetic location: Xq13.2.
Variant type: Deletion.
Coding change: c.1507del on transcript NM_016120.4 (MANE Select); coding-DNA position 1507, one base deleted (T; older notation c.1507delT).
Protein change: p.Ser503fs; shifts the reading frame from serine 503.
Molecular consequence: frameshift variant.
Genome position (GRCh38, 1-based): chrX:74,591,808, A deleted on the plus strand (T on the coding strand, the reverse complement: RLIM is on the minus strand). VCF-style (leftmost placement, unchanged base first): chrX-74591807-GA-G. GRCh37 (hg19) VCF-style: chrX-73811642-GA-G.
Other names: c.1507del, p.Ser503fs (NM_183353.3); short protein forms S503fs.
Identifiers: ClinVar variation 3907815 (VCV003907815.1).